The following is an entry in ClinVar:

NM_000168.6(GLI3):c.1843A>T (p.Thr615Ser)

Gene: GLI3 (GLI family zinc finger 3; minus strand). Cytogenetic location: 7p14.1.
Variant type: single nucleotide variant.
Coding change: c.1843A>T on transcript NM_000168.6 (MANE Select); coding-DNA position 1843, A replaced by T.
Protein change: p.Thr615Ser; replaces threonine 615 with serine.
Molecular consequence: missense variant.
Genome position (GRCh38, 1-based): chr7:41,972,597, T>A on the plus strand (A>T on the coding strand, the complement: GLI3 is on the minus strand). VCF-style: chr7-41972597-T-A. GRCh37 (hg19) VCF-style: chr7-42012196-T-A.
Other names: short protein forms T615S.
Identifiers: ClinVar variation 360242 (VCV000360242.7), dbSNP rs200913720, ClinGen allele CA4230744.
Genomic context (GRCh38, chr7:41,972,597, plus strand): 5'-CTGGGCCATGCACTGTCTTCACATGTTTCCGGAGGGAGCTTGGGTCTGTGTAACGCTTAG[T>A]GCAGCCTGGGATTTTGCACACATATGGTTTCTGCCAAATCCCACAAGAACGAGGTAAGAG-3'
Protein context (NP_000159.3, residues 605-625): KPYVCKIPGC[Thr615Ser]KRYTDPSSLR

ClinVar aggregate classification (germline): Likely benign. Review status: criteria provided, multiple submitters, no conflicts (2 of 4 stars). 4 submissions from 2 submitters: Likely benign (4). Last evaluated 2025-11-06.

Conditions:
Greig cephalopolysyndactyly syndrome (GCPS). Also called: POLYSYNDACTYLY WITH PECULIAR SKULL SHAPE; Greig syndrome; GLI3-Related Greig Cephalopolysyndactyly Syndrome. Identifiers: Orphanet 380, MedGen C0265306, MONDO:0008287, OMIM 175700.
Pallister-Hall syndrome (PHS). Also called: HYPOTHALAMIC HAMARTOBLASTOMA, HYPOPITUITARISM, IMPERFORATE ANUS, AND POSTAXIAL POLYDACTYLY; GLI3-Related Pallister-Hall Syndrome. Identifiers: Orphanet 672, MedGen C0265220, MONDO:0007804, OMIM 146510.
Polydactyly. Also called: polydactylism. Identifiers: MedGen C0152427, MONDO:0021003, OMIM 603596, HP:0010442.

Allele frequency attached by ClinVar (database versions not stated): gnomAD 0.00002 and 0.00006; TOPMed 0.00006; 1000 Genomes Project 30x 0.00016; 1000 Genomes Project 0.00020.
gnomAD v4.1: 52 of 1,607,450 alleles (0.0032%); highest among the groups gnomAD compares: East Asian, 0.11%; no homozygotes.

Submissions (4):

Labcorp Genetics (formerly Invitae), Labcorp
Classification: Likely benign for Pallister-Hall syndrome; Greig cephalopolysyndactyly syndrome. Last evaluated: 2025-11-06. Review status: criteria provided, single submitter. Criteria: Invitae Variant Classification Sherloc (09022015). Collection method: clinical testing. Allele origin: germline.

Illumina Laboratory Services, Illumina
Classification: Likely benign for Polydactyly. Last evaluated: 2018-01-13. Review status: criteria provided, single submitter. Criteria: ICSL Variant Classification Criteria 13 December 2019. Collection method: clinical testing. Allele origin: germline.
Comment: This variant was observed in the ICSL laboratory as part of a predisposition screen in an ostensibly healthy population. It had not been previously curated by ICSL or reported in the Human Gene Mutation Database (HGMD: prior to June 1st, 2018), and was therefore a candidate for classification through an automated scoring system. Utilizing variant allele frequency, disease prevalence and penetrance estimates, and inheritance mode, an automated score was calculated to assess if this variant is too frequent to cause the disease. Based on the score and internal cut-off values, a variant classified as likely benign is not then subjected to further curation. The score for this variant resulted in a classification of likely benign for this disease.

Illumina Laboratory Services, Illumina
Classification: Likely benign for Greig cephalopolysyndactyly syndrome. Last evaluated: 2018-01-13. Review status: criteria provided, single submitter. Criteria: ICSL Variant Classification Criteria 13 December 2019. Collection method: clinical testing. Allele origin: germline.
Comment: the same text as in the submission from Illumina Laboratory Services, Illumina above.

Illumina Laboratory Services, Illumina
Classification: Likely benign for Pallister-Hall syndrome. Last evaluated: 2018-01-13. Review status: criteria provided, single submitter. Criteria: ICSL Variant Classification Criteria 13 December 2019. Collection method: clinical testing. Allele origin: germline.
Comment: the same text as in the submission from Illumina Laboratory Services, Illumina above.